The following is an entry in ClinVar:

ClinVar aggregate classification (germline): Likely benign (1 of 4 stars; one submission).

Submission:

GeneDx
Classification: Likely benign. Last evaluated: 2016-11-01. Review status: criteria provided, single submitter. Criteria: GeneDx Variant Classification (06012015). Collection method: clinical testing. Allele origin: germline. Affected: yes.
Comment: This variant is considered likely benign or benign based on one or more of the following criteria: it is a conservative change, it occurs at a poorly conserved position in the protein, it is predicted to be benign by multiple in silico algorithms, and/or has population frequency not consistent with disease.

NM_001386795.1(DTNA):c.1254-12G>T

Gene: DTNA (dystrobrevin alpha; plus strand). Cytogenetic location: 18q12.1.
Variant type: single nucleotide variant.
Coding change: c.1254-12G>T on transcript NM_001386795.1 (MANE Select); 12 bases into the intron before coding-DNA position 1254, G replaced by T.
Molecular consequence: intron variant.
Genome position (GRCh38, 1-based): chr18:34,838,733, G>T. VCF-style: chr18-34838733-G-T. GRCh37 (hg19) VCF-style: chr18-32418697-G-T.
Other names: c.1095-9563G>T (NM_032975.4, NM_001386761.1, NM_001386762.1 and 1 more transcripts); c.1175+9244G>T (NM_001386754.1, NM_001386755.1, NM_001386760.1 and 5 more transcripts); c.1086-9563G>T (NM_001386763.1, NM_001386764.1, NM_001386768.1 and 13 more transcripts); c.604-13098G>T (NM_001198945.2); c.1254-12G>T (NM_001386788.1); c.1164-12G>T (NM_032978.7); c.1173-12G>T (NM_001390.5, NM_001391.5); c.336-9563G>T (NM_001198943.1); and 4 more.
Identifiers: ClinVar variation 390436 (VCV000390436.1), dbSNP rs1057523769, ClinGen allele CA16607968.